The following is an entry in ClinVar:

NM_005068.3(SIM1):c.2259A>G (p.Gln753=)

Gene: SIM1 (SIM bHLH transcription factor 1; minus strand). Cytogenetic location: 6q16.3.
Variant type: single nucleotide variant.
Coding change: c.2259A>G on transcript NM_005068.3 (MANE Select); coding-DNA position 2259, A replaced by G.
Protein change: p.Gln753=; no amino-acid change (glutamine 753 retained).
Molecular consequence: synonymous variant.
Genome position (GRCh38, 1-based): chr6:100,390,403, T>C on the plus strand (A>G on the coding strand, the complement: SIM1 is on the minus strand). VCF-style: chr6-100390403-T-C. GRCh37 (hg19) VCF-style: chr6-100838279-T-C.
Other names: c.2259A>G, p.Gln753= (NM_001374769.1).
Identifiers: ClinVar variation 3035551 (VCV003035551.2), dbSNP rs146379214, ClinGen allele CA3936841.

ClinVar aggregate classification (germline): Likely benign (0 of 4 stars; one submission).

Conditions:
SIM1-related disorder. Also called: SIM1-related condition; SIM1-related disorders.

Allele frequency attached by ClinVar (database versions not stated): gnomAD exomes 0.00001; ExAC 0.00003; gnomAD 0.00005; TOPMed 0.00005; ESP Exome Variant Server 0.00008; 1000 Genomes Project 30x 0.00016; 1000 Genomes Project 0.00020.
gnomAD v4.1: 24 of 1,614,158 alleles (0.0015%); highest among the groups gnomAD compares: African/African-American, 0.023%; no homozygotes.

Submission:

PreventionGenetics, part of Exact Sciences
Classification: Likely benign for SIM1-related condition. Last evaluated: 2021-03-10. Review status: no assertion criteria provided. Collection method: clinical testing. Allele origin: germline.
Comment: This variant is classified as likely benign based on ACMG/AMP sequence variant interpretation guidelines (Richards et al. 2015 PMID: 25741868, with internal and published modifications).